The following is an entry in ClinVar:

ClinVar aggregate classification (germline): Likely benign. Review status: criteria provided, multiple submitters, no conflicts (2 of 4 stars). 2 submissions from 2 submitters: Likely benign (2). Last evaluated 2026-06-26.

Conditions:
Sessile serrated polyposis cancer syndrome (SSPCS). Identifiers: Orphanet 157798, MedGen C4310714, MONDO:0014919, OMIM 617108.

Allele frequency attached by ClinVar (database versions not stated): gnomAD exomes 0.00001; TOPMed below 0.00001; ExAC 0.00001; gnomAD 0.00001.
gnomAD v4.1: 19 of 1,606,598 alleles (0.0012%); highest among the groups gnomAD compares: African/African-American, 0.0053%; no homozygotes.

Submissions (2):

Myriad Genetics, Inc.
Classification: Likely benign for Sessile serrated polyposis cancer syndrome. Last evaluated: 2026-06-26. Review status: criteria provided, single submitter. Criteria: Myriad Autosomal Dominant, Autosomal Recessive and X-Linked Classification Criteria (2023). Collection method: clinical testing. Allele origin: unknown.
Comment: This variant is considered likely benign. This variant is intronic and is not expected to impact mRNA splicing.

Labcorp Genetics (formerly Invitae), Labcorp
Classification: Likely benign. Last evaluated: 2023-05-01. Review status: criteria provided, single submitter. Criteria: Invitae Variant Classification Sherloc (09022015). Collection method: clinical testing. Allele origin: germline.

NM_017763.6(RNF43):c.850-13T>C

Gene: RNF43 (ring finger protein 43; minus strand). Cytogenetic location: 17q22.
Variant type: single nucleotide variant.
Coding change: c.850-13T>C on transcript NM_017763.6 (MANE Select); 13 bases into the intron before coding-DNA position 850, T replaced by C.
Molecular consequence: intron variant.
Genome position (GRCh38, 1-based): chr17:58,360,264, A>G on the plus strand (T>C on the coding strand, the complement: RNF43 is on the minus strand). VCF-style: chr17-58360264-A-G. GRCh37 (hg19) VCF-style: chr17-56437625-A-G.
Other names: c.850-13T>C (NM_001438822.1, NM_001305544.3, NM_001438820.1 and 1 more transcripts); c.469-13T>C (NM_001305545.2, NM_001437987.1).
Identifiers: ClinVar variation 2902316 (VCV002902316.4), dbSNP rs774981159, ClinGen allele CA8673278.